The following is an entry in ClinVar:

NM_004999.4(MYO6):c.*1889A>G

Gene: MYO6 (myosin VI; plus strand). Cytogenetic location: 6q14.1.
Variant type: single nucleotide variant.
Coding change: c.*1889A>G on transcript NM_004999.4 (MANE Select); 1889 bases downstream of the stop codon, A replaced by G.
Molecular consequence: 3 prime UTR variant. On other transcripts: non-coding transcript variant (1).
Genome position (GRCh38, 1-based): chr6:75,916,901, A>G. VCF-style: chr6-75916901-A-G. GRCh37 (hg19) VCF-style: chr6-76626618-A-G.
Other names: c.*1889A>G (NM_001300899.2, NM_001368136.1, NM_001368137.1 and 3 more transcripts).
Identifiers: ClinVar variation 909090 (VCV000909090.4), dbSNP rs189155544, ClinGen allele CA141062163.

ClinVar aggregate classification (germline): Conflicting classifications of pathogenicity. Review status: criteria provided, conflicting classifications (1 of 4 stars). 2 submissions from 1 submitter: Uncertain significance (1); Likely benign (1). Last evaluated 2018-01-13.

Conditions:
Autosomal dominant nonsyndromic hearing loss 22. Also called: Autosomal dominant nonsyndromic deafness 22; DFNA 22. Identifiers: Orphanet 228012, MedGen C2931767, MONDO:0011660, OMIM 606346.
Autosomal recessive nonsyndromic hearing loss 37. Identifiers: Orphanet 90636, MedGen C1843028, MONDO:0011912, OMIM 607821.

Allele frequency attached by ClinVar (database versions not stated): TOPMed 0.00026; 1000 Genomes Project 30x 0.00187; gnomAD 0.00018 and 0.00023; 1000 Genomes Project 0.00200.
gnomAD v4.1: 35 of 152,332 alleles (0.023%); highest among the groups gnomAD compares: East Asian, 0.64%; 1 homozygote.

Submissions (2):

Illumina Laboratory Services, Illumina
Classification: Uncertain significance for Autosomal recessive nonsyndromic hearing loss 37. Last evaluated: 2018-01-13. Review status: criteria provided, single submitter. Criteria: ICSL Variant Classification Criteria 13 December 2019. Collection method: clinical testing. Allele origin: germline.

Illumina Laboratory Services, Illumina
Classification: Likely benign for Autosomal dominant nonsyndromic hearing loss 22. Last evaluated: 2018-01-13. Review status: criteria provided, single submitter. Criteria: ICSL Variant Classification Criteria 13 December 2019. Collection method: clinical testing. Allele origin: germline.
Comment: This variant was observed in the ICSL laboratory as part of a predisposition screen in an ostensibly healthy population. It had not been previously curated by ICSL or reported in the Human Gene Mutation Database (HGMD: prior to June 1st, 2018), and was therefore a candidate for classification through an automated scoring system. Utilizing variant allele frequency, disease prevalence and penetrance estimates, and inheritance mode, an automated score was calculated to assess if this variant is too frequent to cause the disease. Based on the score and internal cut-off values, a variant classified as likely benign is not then subjected to further curation. The score for this variant resulted in a classification of likely benign for this disease.